The following is an entry in ClinVar:

ClinVar aggregate classification (germline): Pathogenic/Likely pathogenic. Review status: criteria provided, multiple submitters, no conflicts (2 of 4 stars). 8 submissions from 8 submitters: Pathogenic (3); Likely pathogenic (5). Last evaluated 2025-08-18.

Conditions:
Wilson disease (WND). Also called: Wilson's disease. Identifiers: Orphanet 905, MedGen C0019202, MONDO:0010200, OMIM 277900. Disease mechanism: loss of function.

Allele frequency attached by ClinVar (database versions not stated): gnomAD exomes below 0.00001 and 0.00001; TOPMed 0.00001; ExAC 0.00002; gnomAD 0.00003; 1000 Genomes Project 30x 0.00016; 1000 Genomes Project 0.00020.
gnomAD v4.1: 12 of 1,614,086 alleles (0.00074%); highest among the groups gnomAD compares: South Asian, 0.0055%; no homozygotes.

Submissions (8):

Labcorp Genetics (formerly Invitae), Labcorp
Classification: Pathogenic for Wilson disease. Last evaluated: 2025-08-18. Review status: criteria provided, single submitter. Criteria: Invitae Variant Classification Sherloc (09022015). Collection method: clinical testing. Allele origin: germline.
Comment: This sequence change replaces threonine, which is neutral and polar, with isoleucine, which is neutral and non-polar, at codon 788 of the ATP7B protein (p.Thr788Ile). This variant is present in population databases (rs541408630, gnomAD 0.01%). This missense change has been observed in individual(s) with Wilson disease (PMID: 22308153, 23333878, 25497208). ClinVar contains an entry for this variant (Variation ID: 936731). Invitae Evidence Modeling of protein sequence and biophysical properties (such as structural, functional, and spatial information, amino acid conservation, physicochemical variation, residue mobility, and thermodynamic stability) indicates that this missense variant is expected to disrupt ATP7B protein function with a positive predictive value of 80%. Experimental studies have shown that this missense change affects ATP7B function (PMID: 26004889). For these reasons, this variant has been classified as Pathogenic.

Fulgent Genetics
Classification: Likely pathogenic for Wilson disease. Last evaluated: 2024-04-25. Review status: criteria provided, single submitter. Criteria: ACMG Guidelines, 2015. Collection method: clinical testing. Allele origin: germline.

Natera, Inc.
Classification: Likely pathogenic for Wilson disease. Last evaluated: 2024-04-04. Review status: criteria provided, single submitter. Criteria: Natera Variant Classification Schema (03/2026). Collection method: clinical testing. Allele origin: germline.
Comment: The c.2363C>T variant in ATP7B is a missense variant predicted to cause substitution of threonine to isoleucine at amino acid 788. This variant is rare in the general population with a frequency below the threshold expected for the associated phenotype(s). This variant has been observed in one or more individuals affected with the associated recessive disease, as either homozygous or compound heterozygous with a second variant (PMID: 25497208, 22308153, 26215059). Additionally, this variant has been observed to segregate in affected family members (PMID: 22308153, 26215059). Computational prediction algorithms indicate this variant is likely to affect gene or protein function. Given the available evidence, this variant is classified as Likely Pathogenic.

Baylor Genetics
Classification: Pathogenic for Wilson disease. Last evaluated: 2023-07-30. Review status: criteria provided, single submitter. Criteria: ACMG Guidelines, 2015. Collection method: clinical testing. Allele origin: unknown.

All of Us Research Program, National Institutes of Health
Classification: Likely pathogenic for Wilson disease. Last evaluated: 2023-04-03. Review status: criteria provided, single submitter. Criteria: ACMG Guidelines, 2015. Collection method: clinical testing. Allele origin: germline. Inheritance: Autosomal recessive inheritance. Observed: 1 variant allele, 1 heterozygote.
Comment: This missense variant, c.2363C>T, replaces threonine with isoleucine at codon 788 of the ATP7B protein. Computational prediction suggests that this variant may have deleterious impact on protein structure and function (internally defined REVEL score threshold >= 0.7, PMID: 27666373). Functional studies using a yeast model system demonstrated that this variant causes significantly impaired cell growth and decreased copper transport activity compared to wild-type and other ATP7B variants of uncertain significance (PMID: 26004889). This variant has been reported in at least 7 individuals affected with autosomal recessive Wilson disease (PMID: 22308153, 23333878, 25497208, 26215059). In one affected individual, this variant was confirmed in the compound heterozygote state (PMID: 25497208) and in two siblings it was observed in the homozygous state (PMID: 26215059), indicating that this variant contributes to autosomal recessive disease. This variant has been reported to segregate with Wilson disease in two independent families (PMID: 22308153, 26215059). This variant has not been identified in the general population by the Genome Aggregation Database (gnomAD). Based on the available evidence, this variant is classified as Likely Pathogenic.

This study involves interpretation of variants in research participants for the purpose of population health screening. Participant phenotype was not available at the time of variant classification. Additional details can be found in publication PMID: 35346344, PMCID: PMC8962531

GeneDx
Classification: Likely pathogenic. Last evaluated: 2022-02-13. Review status: criteria provided, single submitter. Criteria: GeneDx Variant Classification Process June 2021. Collection method: clinical testing. Allele origin: germline. Affected: yes.
Comment: Published functional studies suggest a damaging effect: inability to secrete copper in yeast cells (Papur et al., 2015); Not observed at significant frequency in large population cohorts (gnomAD); This variant is associated with the following publications: (PMID: 22692182, 27592149, 32558485, 22308153, 23333878, 26004889)

Genome-Nilou Lab
Classification: Pathogenic for Wilson disease. Last evaluated: 2021-08-10. Review status: criteria provided, single submitter. Criteria: ACMG Guidelines, 2015. Collection method: clinical testing. Allele origin: germline. Affected: no.

Laboratory for Molecular Medicine, Mass General Brigham Personalized Medicine
Classification: Likely pathogenic for Wilson disease. Last evaluated: 2020-06-11. Review status: criteria provided, single submitter. Criteria: ACMG Guidelines, 2015. Collection method: clinical testing. Allele origin: germline.
Comment: The p.Thr788Ile variant in ATP7B has been reported in two homozygous probands with Wilson disease and segregated in an affected sibling (Zali 2011, SimsekPapur 2013). It has also been identified in 0.006% (2/30602) of South Asian chromosomes by gnomAD. An in vitro functional study in yeast suggested that this variant results in deficient ATP7B function (PMID 26004889). Computational prediction tools and conservation analyses do not provide strong support for or against an impact to the protein. In summary, although additional studies are required to fully establish its clinical significance, this variant meets criteria to be classified as likely pathogenic for autosomal recessive Wilson disease. ACMG/AMP Criteria applied: PM2, PM3_Supporting, PP1_Supporting, PS3_Supporting.

Literature cited by the submitters: PubMed 22308153 (cited by 4 submitters); PubMed 23333878 (cited by 3 submitters); PubMed 25497208 (cited by 3 submitters); PubMed 26004889 (cited by 3 submitters); PubMed 26215059 (cited by Natera, Inc. and All of Us Research Program, National Institutes of Health).

NM_000053.4(ATP7B):c.2363C>T (p.Thr788Ile)

Gene: ATP7B (ATPase copper transporting beta; minus strand). Cytogenetic location: 13q14.3.
Variant type: single nucleotide variant.
Coding change: c.2363C>T on transcript NM_000053.4 (MANE Select); coding-DNA position 2363, C replaced by T.
Protein change: p.Thr788Ile; replaces threonine 788 with isoleucine.
Molecular consequence: missense variant.
Genome position (GRCh38, 1-based): chr13:51,957,600, G>A on the plus strand (C>T on the coding strand, the complement: ATP7B is on the minus strand). VCF-style: chr13-51957600-G-A. GRCh37 (hg19) VCF-style: chr13-52531736-G-A.
Other names: c.1877C>T, p.Thr626Ile (NM_001005918.3); c.2030C>T, p.Thr677Ile (NM_001243182.2); c.2129C>T, p.Thr710Ile (NM_001330578.2); c.2111C>T, p.Thr704Ile (NM_001330579.2); short protein forms T710I, T626I, T677I, T704I, T788I.
Identifiers: ClinVar variation 936731 (VCV000936731.23), dbSNP rs541408630, ClinGen allele CA6989044.
Genomic context (GRCh38, chr13:51,957,600, plus strand): 5'-AGGGTCACAACGGTGGCTTCTGTGGCTTGGAGAGACATGAGTTTAGCCAGGGCTTCTGAG[G>A]TTTTGCTCTAGGAAATAACCAGAATGTGAAATGAGAGCTATCGAAAGCAGACCTGTCCAA-3'
Protein context (NP_000044.2, residues 778-798): RWLEHLAKSK[Thr788Ile]SEALAKLMSL